The following is an entry in ClinVar:

NM_004946.3(DOCK2):c.3233-9_3233-5del

Gene: DOCK2 (dedicator of cytokinesis 2; plus strand). Cytogenetic location: 5q35.1.
Variant type: Microsatellite.
Coding change: c.3233-9_3233-5del on transcript NM_004946.3 (MANE Select); 9 bases into the intron before coding-DNA position 3233 through 5 bases into the intron before coding-DNA position 3233, 5 bases deleted (CTCTT; older notation c.3233-9_3233-5delCTCTT).
Molecular consequence: intron variant.
Genome position (GRCh38, 1-based): chr5:170,018,951-170,018,955, CTCTT deleted; deleting any 5 consecutive bases within chr5:170,018,946-170,018,955 gives the same sequence; the c. name uses the placement nearest the transcript's 3' end. VCF-style (leftmost placement, unchanged base first): chr5-170018945-CCTCTT-C. GRCh37 (hg19) VCF-style: chr5-169445949-CCTCTT-C.
Identifiers: ClinVar variation 2109199 (VCV002109199.4), dbSNP rs1241089534, ClinGen allele CA807378852.
Genomic context (GRCh38, chr5:170,018,945, plus strand): 5'-TCCCCAGGCTTGGTCGGAGGAGGACCTGTGCGTCGCCGAACTGTTTTATGTGTTCATGTT[CCTCTT>C]CTCTTTCAGGTCAGAACAAAATCTGCTTCATCCCAGGCATGGTAGGACCTATATTAGAGA-3'

ClinVar aggregate classification (germline): Uncertain significance (1 of 4 stars; one submission).

Conditions:
DOCK2 deficiency. Also called: Immunodeficiency 40. Identifiers: Orphanet 447737, MedGen C4225328, MONDO:0014637, OMIM 616433.

Submission:

Labcorp Genetics (formerly Invitae), Labcorp
Classification: Uncertain significance for DOCK2 deficiency. Last evaluated: 2022-09-07. Review status: criteria provided, single submitter. Criteria: Invitae Variant Classification Sherloc (09022015). Collection method: clinical testing. Allele origin: germline.
Comment: This sequence change falls in intron 32 of the DOCK2 gene. It does not directly change the encoded amino acid sequence of the DOCK2 protein. This variant is not present in population databases (gnomAD no frequency). This variant has not been reported in the literature in individuals affected with DOCK2-related conditions. Algorithms developed to predict the effect of sequence changes on RNA splicing suggest that this variant may create or strengthen a splice site. In summary, the available evidence is currently insufficient to determine the role of this variant in disease. Therefore, it has been classified as a Variant of Uncertain Significance.